The following is an entry in ClinVar:

ClinVar aggregate classification (germline): Conflicting classifications of pathogenicity. Review status: criteria provided, conflicting classifications (1 of 4 stars). 3 submissions from 3 submitters: Likely pathogenic (1); Uncertain significance (2). Last evaluated 2025-08-15.

Conditions:
Hereditary cancer-predisposing syndrome. Also called: Neoplastic Syndromes, Hereditary; Hereditary Cancer Syndrome; Hereditary neoplastic syndrome; Tumor predisposition. Identifiers: Orphanet 140162, MedGen C0027672, MeSH D009386, MONDO:0015356.
BAP1-related tumor predisposition syndrome (TPDS1). Also called: COMMON Syndrome; TUMOR PREDISPOSITION SYNDROME 1; BAP1 tumor predisposition syndrome; Tumor susceptibility linked to germline BAP1 mutations. Identifiers: Orphanet 289539, MedGen C3280492, MONDO:0013692, OMIM 614327.

Submissions (3):

Labcorp Genetics (formerly Invitae), Labcorp
Classification: Uncertain significance for BAP1-related tumor predisposition syndrome. Last evaluated: 2025-08-15. Review status: criteria provided, single submitter. Criteria: Invitae Variant Classification Sherloc (09022015). Collection method: clinical testing. Allele origin: germline.
Comment: This sequence change replaces valine, which is neutral and non-polar, with glycine, which is neutral and non-polar, at codon 29 of the BAP1 protein (p.Val29Gly). This variant is not present in population databases (gnomAD no frequency). This missense change has been observed in individual(s) with breast and ovarian cancer and a family history of mesothelioma (PMID: 30517737). ClinVar contains an entry for this variant (Variation ID: 539911). Invitae Evidence Modeling of protein sequence and biophysical properties (such as structural, functional, and spatial information, amino acid conservation, physicochemical variation, residue mobility, and thermodynamic stability) indicates that this missense variant is expected to disrupt BAP1 protein function with a positive predictive value of 80%. In summary, the available evidence is currently insufficient to determine the role of this variant in disease. Therefore, it has been classified as a Variant of Uncertain Significance.

Ambry Genetics
Classification: Likely pathogenic for Hereditary cancer-predisposing syndrome. Last evaluated: 2025-05-21. Review status: criteria provided, single submitter. Criteria: Ambry Variant Classification Scheme 2023. Collection method: clinical testing. Allele origin: germline.
Comment: The p.V29G variant (also known as c.86T>G), located in coding exon 3 of the BAP1 gene, results from a T to G substitution at nucleotide position 86. The valine at codon 29 is replaced by glycine, an amino acid with dissimilar properties. This variant was reported in individual(s) with features consistent with BAP1-related tumor predisposition syndrome (Ambry internal data). This alteration was non-functional in a high throughput genome editing haploid cell survival functional assay (Waters AJ et al. Nat Genet, 2024 Jul;56:1434-1445). (Waters AJ et al. Nat Genet, 2024 Jul;56:1434-1445). This amino acid position is highly conserved in available vertebrate species. In addition, this alteration is predicted to be deleterious by in silico analysis. This variant is considered to be rare based on population cohorts in the Genome Aggregation Database (gnomAD). Based on the majority of available evidence to date, this variant is likely to be pathogenic.

Genetic Services Laboratory, University of Chicago
Classification: Uncertain significance. Last evaluated: 2019-07-14. Review status: criteria provided, single submitter. Criteria: ACMG Guidelines, 2015. Collection method: clinical testing. Allele origin: germline. Affected: no.

Literature cited by the submitters: PubMed 30517737 (cited by Labcorp Genetics (formerly Invitae), Labcorp); PubMed 38969833 (cited by Ambry Genetics).

NM_004656.4(BAP1):c.86T>G (p.Val29Gly)

Gene: BAP1 (BRCA1 associated deubiquitinase 1; minus strand). Cytogenetic location: 3p21.1.
Variant type: single nucleotide variant.
Coding change: c.86T>G on transcript NM_004656.4 (MANE Select); coding-DNA position 86, T replaced by G.
Protein change: p.Val29Gly; replaces valine 29 with glycine.
Molecular consequence: missense variant.
Genome position (GRCh38, 1-based): chr3:52,409,590, A>C on the plus strand (T>G on the coding strand, the complement: BAP1 is on the minus strand). VCF-style: chr3-52409590-A-C. GRCh37 (hg19) VCF-style: chr3-52443606-A-C.
Other names: c.86T>G (NM_004656.2); short protein forms V29G.
Identifiers: ClinVar variation 539911 (VCV000539911.10), dbSNP rs1553646295, ClinGen allele CA353114678.